The following is an entry in ClinVar:

ClinVar aggregate classification (germline): Uncertain significance (1 of 4 stars; one submission).

gnomAD v4.1: 1 of 1,614,162 alleles (0.000062%); highest among the groups gnomAD compares: African/African-American, 0.0013%; no homozygotes.

Submission:

Labcorp Genetics (formerly Invitae), Labcorp
Classification: Uncertain significance. Last evaluated: 2025-04-09. Review status: criteria provided, single submitter. Criteria: Invitae Variant Classification Sherloc (09022015). Collection method: clinical testing. Allele origin: germline.
Comment: This sequence change replaces histidine, which is basic and polar, with arginine, which is basic and polar, at codon 1949 of the ARID1A protein (p.His1949Arg). This variant is not present in population databases (gnomAD no frequency). This variant has not been reported in the literature in individuals affected with ARID1A-related conditions. Invitae Evidence Modeling of protein sequence and biophysical properties (such as structural, functional, and spatial information, amino acid conservation, physicochemical variation, residue mobility, and thermodynamic stability) indicates that this missense variant is not expected to disrupt ARID1A protein function with a negative predictive value of 80%. In summary, the available evidence is currently insufficient to determine the role of this variant in disease. Therefore, it has been classified as a Variant of Uncertain Significance.

NM_006015.6(ARID1A):c.5846A>G (p.His1949Arg)

Gene: ARID1A (AT-rich interaction domain 1A; plus strand). Cytogenetic location: 1p36.11.
Variant type: single nucleotide variant.
Coding change: c.5846A>G on transcript NM_006015.6 (MANE Select); coding-DNA position 5846, A replaced by G.
Protein change: p.His1949Arg; replaces histidine 1949 with arginine.
Molecular consequence: missense variant.
Genome position (GRCh38, 1-based): chr1:26,779,744, A>G. VCF-style: chr1-26779744-A-G. GRCh37 (hg19) VCF-style: chr1-27106235-A-G.
Other names: c.5195A>G, p.His1732Arg (NM_139135.4); short protein forms H1949R, H1732R.
Identifiers: ClinVar variation 4712130 (VCV004712130.1).